The following is an entry in ClinVar:

NM_213649.2(SFXN4):c.49C>T (p.Arg17Cys)

Genes: SFXN4 (sideroflexin 4; minus strand), LOC130004825 (ATAC-STARR-seq lymphoblastoid silent region 2869; plus strand). Cytogenetic location: 10q26.11.
Variant type: single nucleotide variant.
Coding change: c.49C>T on transcript NM_213649.2 (MANE Select); coding-DNA position 49, C replaced by T.
Protein change: p.Arg17Cys; replaces arginine 17 with cysteine.
Molecular consequence: missense variant. On other transcripts: non-coding transcript variant (1).
Genome position (GRCh38, 1-based): chr10:119,165,599, G>A on the plus strand (C>T on the coding strand, the complement: SFXN4 is on the minus strand). VCF-style: chr10-119165599-G-A. GRCh37 (hg19) VCF-style: chr10-120925111-G-A.
Other names: short protein forms R17C.
Identifiers: ClinVar variation 5036957 (VCV005036957.1).
Genomic context (GRCh38, chr10:119,165,599, plus strand): 5'-GGCGCTCGGTGATCCAGAAGCGCACGTTGGGCTCAATGAAGGCGGGGACGGCGTCTCTGC[G>A]TCCTAGGAGCCGCCCAGGTTGCGTTTCCTCCTCCTGTTCCAGGGACATTTTGCGCTGGTT-3'
Protein context (NP_998814.1, residues 7-27): EETQPGRLLG[Arg17Cys]RDAVPAFIEP

ClinVar aggregate classification (germline): Uncertain significance (1 of 4 stars; one submission).

gnomAD v4.1: 1 of 1,593,972 alleles (0.000063%); highest among the groups gnomAD compares: South Asian, 0.0011%; no homozygotes.

Submission:

GeneDx
Classification: Uncertain significance. Last evaluated: 2026-04-22. Review status: criteria provided, single submitter. Criteria: GeneDx Variant Classification Process June 2021. Collection method: clinical testing. Allele origin: germline.
Comment: Not observed at significant frequency in large population cohorts (gnomAD); In silico analysis suggests that this missense variant does not alter protein structure/function; Has not been previously published as pathogenic or benign to our knowledge